The following is an entry in ClinVar:

NM_000156.6(GAMT):c.59G>A (p.Trp20Ter)

Genes: GAMT (guanidinoacetate N-methyltransferase; minus strand), LOC130062945 (ATAC-STARR-seq lymphoblastoid silent region 9707; plus strand). Cytogenetic location: 19p13.3.
Variant type: single nucleotide variant.
Coding change: c.59G>A on transcript NM_000156.6 (MANE Select); coding-DNA position 59, G replaced by A.
Protein change: p.Trp20Ter; replaces tryptophan 20 with a stop codon.
Molecular consequence: nonsense.
Genome position (GRCh38, 1-based): chr19:1,401,418, C>T on the plus strand (G>A on the coding strand, the complement: GAMT is on the minus strand). VCF-style: chr19-1401418-C-T. GRCh37 (hg19) VCF-style: chr19-1401417-C-T.
Other names: c.59G>A, p.Trp20Ter (NM_138924.3); c.59G>A (NM_000156.5); short protein forms W20*.
Identifiers: ClinVar variation 1069228 (VCV001069228.15), dbSNP rs80338734, ClinGen allele CA402998328.
Genomic context (GRCh38, chr19:1,401,418, plus strand): 5'-GGCTTGCCCAGGATGCGCAGGTGCGTGTCCGCTGCGTCGTAGGCCGCGGGCGCCGCCCCC[C>T]ACGCGGGGCTGCAGTTCTCGCCGGGCGCGAAGATGGGGGTCGCGCTGGGGGCGCTCATGC-3'

ClinVar aggregate classification (germline): Pathogenic/Likely pathogenic. Review status: criteria provided, multiple submitters, no conflicts (2 of 4 stars). 5 submissions from 5 submitters: Pathogenic (1); Likely pathogenic (4). Last evaluated 2025-02-16.

Conditions:
Deficiency of guanidinoacetate methyltransferase (CCDS2). Also called: GAMT DEFICIENCY; CEREBRAL CREATINE DEFICIENCY SYNDROME 2; Guanidinoacetate Methyltransferase (GAMT) Deficiency. Identifiers: Orphanet 382, MedGen C0574080, MONDO:0012999, OMIM 612736.
Cerebral creatine deficiency syndrome. Also called: Creatine deficiency syndromes. Identifiers: Orphanet 79172, MedGen C5244016, MONDO:0000456.

gnomAD v4.1: 3 of 1,448,746 alleles (0.00021%); highest among the groups gnomAD compares: Non-Finnish European, 0.00027%; no homozygotes.

Submissions (5):

Natera, Inc.
Classification: Likely pathogenic for Guanidinoacetate methyltransferase deficiency. Last evaluated: 2025-02-16. Review status: criteria provided, single submitter. Criteria: Natera Variant Classification Schema (03/2026). Collection method: clinical testing. Allele origin: germline.
Comment: The c.59G>A variant in GAMT is a nonsense variant predicted to introduce a stop codon at amino acid 20. This variant is expected to result in nonsense mediated decay, truncation, or a dysfunctional protein product. This variant is rare in the general population with a frequency below the threshold expected for the associated phenotype(s). Given the available evidence, this variant is classified as Likely Pathogenic.

Fulgent Genetics
Classification: Likely pathogenic for Deficiency of guanidinoacetate methyltransferase. Last evaluated: 2024-02-02. Review status: criteria provided, single submitter. Criteria: ACMG Guidelines, 2015. Collection method: clinical testing. Allele origin: germline.

Baylor Genetics
Classification: Likely pathogenic for Deficiency of guanidinoacetate methyltransferase. Last evaluated: 2023-10-03. Review status: criteria provided, single submitter. Criteria: ACMG Guidelines, 2015. Collection method: clinical testing. Allele origin: unknown.

Labcorp Genetics (formerly Invitae), Labcorp
Classification: Pathogenic for Cerebral creatine deficiency syndrome. Last evaluated: 2023-09-21. Review status: criteria provided, single submitter. Criteria: Invitae Variant Classification Sherloc (09022015). Collection method: clinical testing. Allele origin: germline.
Comment: This sequence change creates a premature translational stop signal (p.Trp20*) in the GAMT gene. It is expected to result in an absent or disrupted protein product. Loss-of-function variants in GAMT are known to be pathogenic (PMID: 15108290). This variant is not present in population databases (gnomAD no frequency). This variant has not been reported in the literature in individuals affected with GAMT-related conditions. ClinVar contains an entry for this variant (Variation ID: 1069228). For these reasons, this variant has been classified as Pathogenic.

Neuberg Centre For Genomic Medicine, NCGM
Classification: Likely pathogenic for Deficiency of guanidinoacetate methyltransferase. Last evaluated: 2023-07-22. Review status: criteria provided, single submitter. Criteria: ACMG Guidelines, 2015. Collection method: clinical testing. Allele origin: germline. Inheritance: Autosomal recessive inheritance. Affected: yes.
Comment: The observed stop gained c.59G>Ap.Trp20Ter variant has been submitted to the ClinVar database as Pathogenic. This variant has not been identified in affected individuals in the literature, to our knowledge. The c.59G>A variant is absent in gnomAD Exomes. The nucleotide change c.59G>A in GAMT is predicted as conserved by GERP++ and PhyloP across 100 vertebrates. This sequence change creates a premature translational stop signal p.Trp20Ter in the GAMT gene. This variant is predicted to cause loss of normal protein function through protein truncation. Loss of function variants in GAMT gene have been previously reported to be disease causing Item CB, et al., 2004. A prevalent missense pathogenic variant c.59G>C | p.Trp20Ser in GAMT gene at the same position has been reported previously in multiple affected individuals, suggesting that this residue might be of clinical significance Almeida LS, et al., 2007. However, additional functional studies will be required to prove the pathogenicity of p.Trp20Ter variant. For these reasons, this variant has been classified as Likely Pathogenic.

Literature cited by the submitters: PubMed 15108290 (cited by Labcorp Genetics (formerly Invitae), Labcorp).